The following is an entry in ClinVar:

NM_018418.5(SPATA7):c.568C>T (p.Pro190Ser)

Gene: SPATA7 (spermatogenesis associated 7; plus strand). Cytogenetic location: 14q31.3.
Variant type: single nucleotide variant.
Coding change: c.568C>T on transcript NM_018418.5 (MANE Select); coding-DNA position 568, C replaced by T.
Protein change: p.Pro190Ser; replaces proline 190 with serine.
Molecular consequence: missense variant.
Genome position (GRCh38, 1-based): chr14:88,426,427, C>T. VCF-style: chr14-88426427-C-T. GRCh37 (hg19) VCF-style: chr14-88892771-C-T.
Other names: c.472C>T, p.Pro158Ser (NM_001040428.4); short protein forms P190S, P158S.
Identifiers: ClinVar variation 2011026 (VCV002011026.4), dbSNP rs1204063693, ClinGen allele CA390563054.

ClinVar aggregate classification (germline): Uncertain significance (1 of 4 stars; one submission).

Conditions:
Leber congenital amaurosis 3 (LCA3). Also called: SPATA7-Related Retinitis Pigmentosa. Identifiers: MedGen C1858677, MONDO:0011415, OMIM 604232.

Allele frequency attached by ClinVar (database versions not stated): TOPMed below 0.00001; gnomAD exomes 0.00001; gnomAD 0.00002.
gnomAD v4.1: 15 of 1,614,058 alleles (0.00093%); highest among the groups gnomAD compares: Middle Eastern, 0.016%; 1 homozygote.

Submission:

Labcorp Genetics (formerly Invitae), Labcorp
Classification: Uncertain significance for Leber congenital amaurosis 3. Last evaluated: 2025-09-15. Review status: criteria provided, single submitter. Criteria: Invitae Variant Classification Sherloc (09022015). Collection method: clinical testing. Allele origin: germline.
Comment: This sequence change replaces proline, which is neutral and non-polar, with serine, which is neutral and polar, at codon 190 of the SPATA7 protein (p.Pro190Ser). This variant is present in population databases (no rsID available, gnomAD 0.02%). This variant has not been reported in the literature in individuals affected with SPATA7-related conditions. ClinVar contains an entry for this variant (Variation ID: 2011026). Invitae Evidence Modeling of protein sequence and biophysical properties (such as structural, functional, and spatial information, amino acid conservation, physicochemical variation, residue mobility, and thermodynamic stability) indicates that this missense variant is not expected to disrupt SPATA7 protein function with a negative predictive value of 80%. In summary, the available evidence is currently insufficient to determine the role of this variant in disease. Therefore, it has been classified as a Variant of Uncertain Significance.